The following is an entry in ClinVar:

ClinVar aggregate classification (germline): Pathogenic/Likely pathogenic. Review status: criteria provided, multiple submitters, no conflicts (2 of 4 stars). 3 submissions from 3 submitters: Pathogenic (1); Likely pathogenic (2). Last evaluated 2024-05-30.

Conditions:
Fraser syndrome 1 (FRASRS1). Also called: CRYPTOPHTHALMOS WITH OTHER MALFORMATIONS. Identifiers: Orphanet 2052, MedGen C4551480, MONDO:0054737, OMIM 219000.
FRAS1-related disorder. Also called: FRAS1-related condition.

Allele frequency attached by ClinVar (database versions not stated): gnomAD exomes 0.00001; TOPMed 0.00001; gnomAD 0.00003.
gnomAD v4.1: 20 of 1,613,704 alleles (0.0012%); highest among the groups gnomAD compares: African/African-American, 0.0027%; no homozygotes.

Submissions (3):

Fulgent Genetics
Classification: Likely pathogenic for Fraser syndrome 1. Last evaluated: 2024-05-30. Review status: criteria provided, single submitter. Criteria: ACMG Guidelines, 2015. Collection method: clinical testing. Allele origin: germline.

Labcorp Genetics (formerly Invitae), Labcorp
Classification: Pathogenic. Last evaluated: 2023-06-23. Review status: criteria provided, single submitter. Criteria: Invitae Variant Classification Sherloc (09022015). Collection method: clinical testing. Allele origin: germline.
Comment: This sequence change creates a premature translational stop signal (p.Arg3704*) in the FRAS1 gene. It is expected to result in an absent or disrupted protein product. Loss-of-function variants in FRAS1 are known to be pathogenic (PMID: 12766769, 18671281). This variant is present in population databases (no rsID available, gnomAD 0.004%). This variant has not been reported in the literature in individuals affected with FRAS1-related conditions. For these reasons, this variant has been classified as Pathogenic.

Blueprint Genetics
Classification: Likely pathogenic for FRAS1-related disorders. Last evaluated: 2019-10-04. Review status: criteria provided, single submitter. Criteria: ACMG Guidelines, 2015. Collection method: clinical testing. Allele origin: germline. Affected: yes. Observed: 2 variant alleles.

Literature cited by the submitters: PubMed 12766769 (cited by Labcorp Genetics (formerly Invitae), Labcorp); PubMed 18671281 (cited by Labcorp Genetics (formerly Invitae), Labcorp).

NM_025074.7(FRAS1):c.11110C>T (p.Arg3704Ter)

Gene: FRAS1 (Fraser extracellular matrix complex subunit 1; plus strand). Cytogenetic location: 4q21.21.
Variant type: single nucleotide variant.
Coding change: c.11110C>T on transcript NM_025074.7 (MANE Select); coding-DNA position 11110, C replaced by T.
Protein change: p.Arg3704Ter; replaces arginine 3704 with a stop codon.
Molecular consequence: nonsense.
Genome position (GRCh38, 1-based): chr4:78,537,012, C>T. VCF-style: chr4-78537012-C-T. GRCh37 (hg19) VCF-style: chr4-79458166-C-T.
Other names: short protein forms R3704*.
Identifiers: ClinVar variation 2790381 (VCV002790381.5), dbSNP rs1274650161, ClinGen allele CA357398467.